The following is an entry in ClinVar:

NM_024675.4(PALB2):c.1649A>G (p.Lys550Arg)

Gene: PALB2 (partner and localizer of BRCA2; minus strand). Cytogenetic location: 16p12.2.
Variant type: single nucleotide variant.
Coding change: c.1649A>G on transcript NM_024675.4 (MANE Select); coding-DNA position 1649, A replaced by G.
Protein change: p.Lys550Arg; replaces lysine 550 with arginine.
Molecular consequence: missense variant.
Genome position (GRCh38, 1-based): chr16:23,634,897, T>C on the plus strand (A>G on the coding strand, the complement: PALB2 is on the minus strand). VCF-style: chr16-23634897-T-C. GRCh37 (hg19) VCF-style: chr16-23646218-T-C.
Other names: c.1589A>G, p.Lys530Arg (NM_001407296.1); c.1649A>G, p.Lys550Arg (NM_001407297.1, NM_001407298.1, NM_001407299.1 and 3 more transcripts); c.764A>G, p.Lys255Arg (NM_001407304.1, NM_001407305.1, NM_001407306.1 and 5 more transcripts); short protein forms K530R, K550R, K255R.
Identifiers: ClinVar variation 1777202 (VCV001777202.9), dbSNP rs2506470320, ClinGen allele CA395130122.

ClinVar aggregate classification (germline): Uncertain significance. Review status: criteria provided, multiple submitters, no conflicts (2 of 4 stars). 3 submissions from 3 submitters: Uncertain significance (3). Last evaluated 2025-06-22.

Conditions:
Hereditary cancer-predisposing syndrome. Also called: Neoplastic Syndromes, Hereditary; Tumor predisposition; Hereditary Cancer Syndrome; Hereditary neoplastic syndrome. Identifiers: Orphanet 140162, MedGen C0027672, MeSH D009386, MONDO:0015356.
Familial cancer of breast. Also called: BREAST CANCER, FAMILIAL; Hereditary breast cancer; hereditary breast carcinoma. Identifiers: Orphanet 227535, MedGen C0346153, MONDO:0016419, OMIM 114480. Disease mechanism: loss of function.

Allele frequency attached by ClinVar (database versions not stated): gnomAD exomes below 0.00001.
gnomAD v4.1: 1 of 1,614,090 alleles (0.000062%); highest among the groups gnomAD compares: East Asian, 0.0022%; no homozygotes.

Submissions (3):

Ambry Genetics
Classification: Uncertain significance for Hereditary cancer-predisposing syndrome. Last evaluated: 2025-06-22. Review status: criteria provided, single submitter. Criteria: Ambry Variant Classification Scheme 2023. Collection method: clinical testing. Allele origin: germline.
Comment: The p.K550R variant (also known as c.1649A>G), located in coding exon 4 of the PALB2 gene, results from an A to G substitution at nucleotide position 1649. The lysine at codon 550 is replaced by arginine, an amino acid with highly similar properties. This alteration has been reported in an individual referred for hereditary breast and ovarian cancer evaluation (Chapman-Davis E et al. J Gen Intern Med, 2021 01;36:35-42). This amino acid position is well conserved in available vertebrate species. In addition, this alteration is predicted to be tolerated by in silico analysis. Since supporting evidence is limited at this time, the clinical significance of this alteration remains unclear.

Labcorp Genetics (formerly Invitae), Labcorp
Classification: Uncertain significance for Familial cancer of breast. Last evaluated: 2023-07-15. Review status: criteria provided, single submitter. Criteria: Invitae Variant Classification Sherloc (09022015). Collection method: clinical testing. Allele origin: germline.
Comment: In summary, the available evidence is currently insufficient to determine the role of this variant in disease. Therefore, it has been classified as a Variant of Uncertain Significance. Advanced modeling of protein sequence and biophysical properties (such as structural, functional, and spatial information, amino acid conservation, physicochemical variation, residue mobility, and thermodynamic stability) performed at Invitae indicates that this missense variant is not expected to disrupt PALB2 protein function. ClinVar contains an entry for this variant (Variation ID: 1777202). This variant has not been reported in the literature in individuals affected with PALB2-related conditions. This variant is not present in population databases (gnomAD no frequency). This sequence change replaces lysine, which is basic and polar, with arginine, which is basic and polar, at codon 550 of the PALB2 protein (p.Lys550Arg).

GeneDx
Classification: Uncertain significance. Last evaluated: 2023-05-05. Review status: criteria provided, single submitter. Criteria: GeneDx Variant Classification Process June 2021. Collection method: clinical testing. Allele origin: germline. Affected: yes.
Comment: Not observed at significant frequency in large population cohorts (gnomAD); In silico analysis supports that this missense variant does not alter protein structure/function; Identified in individual(s) with personal and/or family history of breast or ovarian cancer (Chapman-Davis et al., 2021); This variant is associated with the following publications: (PMID: 32720237)

Literature cited by the submitters: PubMed 32720237 (cited by Ambry Genetics).